The following is an entry in ClinVar:

NM_002778.4(PSAP):c.607C>T (p.Gln203Ter)

Gene: PSAP (prosaposin; minus strand). Cytogenetic location: 10q22.1.
Variant type: single nucleotide variant.
Coding change: c.607C>T on transcript NM_002778.4 (MANE Select); coding-DNA position 607, C replaced by T.
Protein change: p.Gln203Ter; replaces glutamine 203 with a stop codon.
Molecular consequence: nonsense.
Genome position (GRCh38, 1-based): chr10:71,828,127, G>A on the plus strand (C>T on the coding strand, the complement: PSAP is on the minus strand). VCF-style: chr10-71828127-G-A. GRCh37 (hg19) VCF-style: chr10-73587884-G-A.
Other names: c.607C>T, p.Gln203Ter (NM_001042465.3, NM_001042466.3); c.607C>T (NM_002778.3); short protein forms Q203*.
Identifiers: ClinVar variation 489144 (VCV000489144.9), dbSNP rs1554880848, ClinGen allele CA377151530.
Genomic context (GRCh38, chr10:71,828,127, plus strand): 5'-CCAAGGCCTGGACAAAGGTGGAGTTGGTCCGTACAGCAGTCTGGATGTCAGTCACCATCT[G>A]AATGCAGTCCTGGCAAACGTCCCCATTATCCTACAGAAGAGGCAGTTAGGTTTGCAACTT-3'

ClinVar aggregate classification (germline): Pathogenic/Likely pathogenic. Review status: criteria provided, multiple submitters, no conflicts (2 of 4 stars). 4 submissions from 4 submitters: Pathogenic (3); Likely pathogenic (1). Last evaluated 2025-02-18.

Conditions:
Sphingolipid activator protein 1 deficiency. Also called: Saposin B Deficiency; METACHROMATIC LEUKODYSTROPHY DUE TO CEREBROSIDE SULFATASE ACTIVATOR DEFICIENCY; Metachromatic leukodystrophy due to saposin B deficiency. Identifiers: Orphanet 512, MedGen C0268262, MONDO:0009590, OMIM 249900.
Metachromatic leukodystrophy (MLD). Also called: Arylsulfatase A Deficiency; ARSA DEFICIENCY; CEREBROSIDE SULFATASE DEFICIENCY; METACHROMATIC LEUKOENCEPHALOPATHY; SULFATIDE LIPIDOSIS; Cerebral sclerosis diffuse metachromatic form. Identifiers: Orphanet 512, MedGen C0023522, MONDO:0018868, OMIM 250100.

Submissions (4):

Natera, Inc.
Classification: Likely pathogenic for Metachromatic leukodystrophy. Last evaluated: 2025-02-18. Review status: criteria provided, single submitter. Criteria: Natera Variant Classification Schema (03/2026). Collection method: clinical testing. Allele origin: germline.
Comment: The c.607C>T variant in PSAP is a nonsense variant predicted to introduce a stop codon at amino acid 203. This variant is expected to result in nonsense mediated decay, truncation, or a dysfunctional protein product. This variant is rare in the general population with a frequency below the threshold expected for the associated phenotype(s). Given the available evidence, this variant is classified as Likely Pathogenic.

Labcorp Genetics (formerly Invitae), Labcorp
Classification: Pathogenic for Sphingolipid activator protein 1 deficiency. Last evaluated: 2024-12-09. Review status: criteria provided, single submitter. Criteria: Invitae Variant Classification Sherloc (09022015). Collection method: clinical testing. Allele origin: germline.
Comment: This sequence change creates a premature translational stop signal (p.Gln203*) in the PSAP gene. It is expected to result in an absent or disrupted protein product. Loss-of-function variants in PSAP are known to be pathogenic (PMID: 8554069, 11309366, 17616409, 19267410, 30632081). This variant is not present in population databases (gnomAD no frequency). This variant has not been reported in the literature in individuals affected with PSAP-related conditions. ClinVar contains an entry for this variant (Variation ID: 489144). For these reasons, this variant has been classified as Pathogenic.

3billion
Classification: Pathogenic for Sphingolipid activator protein 1 deficiency. Last evaluated: 2023-02-23. Review status: criteria provided, single submitter. Criteria: ACMG Guidelines, 2015. Collection method: clinical testing. Allele origin: unknown. Affected: yes.
Comment: The variant is not observed in the gnomAD v2.1.1 dataset. This variant was predicted to result in a loss or disruption of normal protein function through nonsense-mediated decay (NMD) or protein truncation. Multiple pathogenic variants are reported downstream of the variant. The variant has been reported to be associated with PSAP related disorder (ClinVar ID: VCV000489144). Therefore, this variant is classified as Pathogenic according to the recommendation of ACMG/AMP guideline.

GeneDx
Classification: Pathogenic. Last evaluated: 2017-11-16. Review status: criteria provided, single submitter. Criteria: GeneDx Variant Classification (06012015). Collection method: clinical testing. Allele origin: germline. Affected: yes.
Comment: The Q203X variant in the PSAP gene has not been reported previously as a pathogenic variant nor as a benign variant, to our knowledge. This variant is predicted to cause loss of normal protein function either through protein truncation or nonsense-mediated mRNA decay. The Q203X variant is not observed in large population cohorts (Lek et al., 2016). We interpret Q203X as a pathogenic variant.

Literature cited by the submitters: PubMed 8554069 (cited by Labcorp Genetics (formerly Invitae), Labcorp); PubMed 11309366 (cited by Labcorp Genetics (formerly Invitae), Labcorp); PubMed 17616409 (cited by Labcorp Genetics (formerly Invitae), Labcorp); PubMed 19267410 (cited by Labcorp Genetics (formerly Invitae), Labcorp); PubMed 30632081 (cited by Labcorp Genetics (formerly Invitae), Labcorp).